The following is an entry in ClinVar:

NM_007192.4(SUPT16H):c.563G>A (p.Ser188Asn)

Gene: SUPT16H (SPT16 homolog, facilitates chromatin remodeling subunit; minus strand). Cytogenetic location: 14q11.2.
Variant type: single nucleotide variant.
Coding change: c.563G>A on transcript NM_007192.4 (MANE Select); coding-DNA position 563, G replaced by A.
Protein change: p.Ser188Asn; replaces serine 188 with asparagine.
Molecular consequence: missense variant.
Genome position (GRCh38, 1-based): chr14:21,369,817, C>T on the plus strand (G>A on the coding strand, the complement: SUPT16H is on the minus strand). VCF-style: chr14-21369817-C-T. GRCh37 (hg19) VCF-style: chr14-21837976-C-T.
Other names: short protein forms S188N.
Identifiers: ClinVar variation 3803031 (VCV003803031.3).

ClinVar aggregate classification (germline): Uncertain significance. Review status: criteria provided, multiple submitters, no conflicts (2 of 4 stars). 2 submissions from 2 submitters: Uncertain significance (2). Last evaluated 2025-12-24.

Conditions:
Inborn genetic diseases. Identifiers: MedGen C0950123, MeSH D030342.

Submissions (2):

Dasa
Classification: Uncertain significance. Last evaluated: 2025-12-24. Review status: criteria provided, single submitter. Criteria: DASA Assertion Criteria. Collection method: clinical testing. Allele origin: germline.
Comment: NM_007192.4(SUPT16H):c.563G>A (p.Ser188Asn) is a missense variant that results in the substitution of serine with asparagine. This variant is rare in population databases. The currently available literature and clinical evidence are not sufficient to establish a definitive association between this variant and the reported condition. Therefore, this variant is classified as a variant of uncertain significance.

Ambry Genetics
Classification: Uncertain significance for Inborn genetic diseases. Last evaluated: 2025-01-21. Review status: criteria provided, single submitter. Criteria: Ambry Variant Classification Scheme 2023. Collection method: clinical testing. Allele origin: germline.